The following is an entry in ClinVar:

NM_030930.4(UNC93B1):c.1315G>A (p.Ala439Thr)

Gene: UNC93B1 (unc-93B1 regulator of TLR signaling; minus strand). Cytogenetic location: 11q13.2.
Variant type: single nucleotide variant.
Coding change: c.1315G>A on transcript NM_030930.4 (MANE Select); coding-DNA position 1315, G replaced by A.
Protein change: p.Ala439Thr; replaces alanine 439 with threonine.
Molecular consequence: missense variant.
Genome position (GRCh38, 1-based): chr11:67,995,659, C>T on the plus strand (G>A on the coding strand, the complement: UNC93B1 is on the minus strand). VCF-style: chr11-67995659-C-T. GRCh37 (hg19) VCF-style: chr11-67763130-C-T.
Other names: short protein forms A439T.
Identifiers: ClinVar variation 1437006 (VCV001437006.4), dbSNP rs765439696, ClinGen allele CA6145420.

ClinVar aggregate classification (germline): Uncertain significance (1 of 4 stars; one submission).

Conditions:
Encephalopathy, acute, infection-induced (herpes-specific), susceptibility to, 1. Also called: Herpes simplex encephalitis, susceptibility to, 1. Identifiers: Orphanet 1930, MedGen C2750180, MONDO:0024563, OMIM 610551.

Allele frequency attached by ClinVar (database versions not stated): TOPMed 0.00007; ExAC 0.00011; gnomAD exomes 0.00001; gnomAD 0.00006 and 0.00009.
gnomAD v4.1: 21 of 1,545,220 alleles (0.0014%); highest among the groups gnomAD compares: African/African-American, 0.028%; no homozygotes.

Submission:

Labcorp Genetics (formerly Invitae), Labcorp
Classification: Uncertain significance for Encephalopathy, acute, infection-induced (herpes-specific), susceptibility to, 1. Last evaluated: 2021-05-31. Review status: criteria provided, single submitter. Criteria: Invitae Variant Classification Sherloc (09022015). Collection method: clinical testing. Allele origin: germline.
Comment: In summary, the available evidence is currently insufficient to determine the role of this variant in disease. Therefore, it has been classified as a Variant of Uncertain Significance. Experimental studies and prediction algorithms are not available or were not evaluated, and the functional significance of this variant is currently unknown. This variant has not been reported in the literature in individuals with UNC93B1-related conditions. This variant is present in population databases (rs765439696, ExAC 0.1%). This sequence change replaces alanine with threonine at codon 439 of the UNC93B1 protein (p.Ala439Thr). The alanine residue is moderately conserved and there is a small physicochemical difference between alanine and threonine.